The following is an entry in ClinVar:

NM_001972.4(ELANE):c.67+1G>C

Gene: ELANE (elastase, neutrophil expressed; plus strand). Cytogenetic location: 19p13.3.
Variant type: single nucleotide variant.
Coding change: c.67+1G>C on transcript NM_001972.4 (MANE Select); the canonical splice donor site of the intron after coding-DNA position 67, G replaced by C.
Molecular consequence: splice donor variant.
Genome position (GRCh38, 1-based): chr19:852,396, G>C. VCF-style: chr19-852396-G-C. GRCh37 (hg19) VCF-style: chr19-852396-G-C.
Identifiers: ClinVar variation 4783877 (VCV004783877.1).

ClinVar aggregate classification (germline): Uncertain significance (1 of 4 stars; one submission).

Conditions:
Neutropenia, severe congenital, 1, autosomal dominant. Identifiers: MedGen C1859966, MONDO:0042490, OMIM 202700.
Cyclical neutropenia. Also called: Cyclic Neutropenia; Cyclic hematopoiesis. Identifiers: Orphanet 2686, MedGen C0221023, MONDO:0008090, OMIM 162800, HP:0040289. Disease mechanism: loss of function.

Submission:

Labcorp Genetics (formerly Invitae), Labcorp
Classification: Uncertain significance for Neutropenia, severe congenital, 1, autosomal dominant; Cyclical neutropenia. Last evaluated: 2025-04-23. Review status: criteria provided, single submitter. Criteria: Invitae Variant Classification Sherloc (09022015). Collection method: clinical testing. Allele origin: germline.
Comment: This sequence change affects a donor splice site in intron 1 of the ELANE gene. It is expected to disrupt RNA splicing. Variants that disrupt the donor or acceptor splice site typically lead to a loss of protein function (PMID: 16199547), however the current clinical and genetic evidence is not sufficient to establish whether loss-of-function variants in ELANE cause disease. This variant is not present in population databases (gnomAD no frequency). This variant has not been reported in the literature in individuals affected with ELANE-related conditions. Algorithms developed to predict the effect of sequence changes on RNA splicing suggest that this variant may disrupt the consensus splice site. In summary, the available evidence is currently insufficient to determine the role of this variant in disease. Therefore, it has been classified as a Variant of Uncertain Significance.

Literature cited by the submitters: PubMed 16199547.